The following is an entry in ClinVar:

ClinVar aggregate classification (germline): Conflicting classifications of pathogenicity. Review status: criteria provided, conflicting classifications (1 of 4 stars). 2 submissions from 2 submitters: Uncertain significance (1); Likely benign (1). Last evaluated 2023-09-25.

Conditions:
Immunodeficiency 132A. Also called: Herpes simplex encephalitis, susceptibility to, 3. Identifiers: Orphanet 1930, MedGen C3553868, MONDO:0013920, OMIM 614849.

Allele frequency attached by ClinVar (database versions not stated): 1000 Genomes Project 0.00020; ExAC 0.00010; gnomAD 0.00006; TOPMed 0.00006; gnomAD exomes 0.00014; 1000 Genomes Project 30x 0.00016.

Submissions (2):

Labcorp Genetics (formerly Invitae), Labcorp
Classification: Uncertain significance for Immunodeficiency 132A. Last evaluated: 2023-09-25. Review status: criteria provided, single submitter. Criteria: Invitae Variant Classification Sherloc (09022015). Collection method: clinical testing. Allele origin: germline.
Comment: ClinVar contains an entry for this variant (Variation ID: 1393059). In summary, the available evidence is currently insufficient to determine the role of this variant in disease. Therefore, it has been classified as a Variant of Uncertain Significance. Algorithms developed to predict the effect of missense changes on protein structure and function output the following: SIFT: "Not Available"; PolyPhen-2: "Benign"; Align-GVGD: "Not Available". The asparagine amino acid residue is found in multiple mammalian species, which suggests that this missense change does not adversely affect protein function. This variant has not been reported in the literature in individuals affected with TRAF3-related conditions. This variant is present in population databases (rs183443558, gnomAD 0.2%), and has an allele count higher than expected for a pathogenic variant. This sequence change replaces serine, which is neutral and polar, with asparagine, which is neutral and polar, at codon 62 of the TRAF3 protein (p.Ser62Asn).

Ambry Genetics
Classification: Likely benign. Last evaluated: 2023-09-14. Review status: criteria provided, single submitter. Criteria: Ambry Variant Classification Scheme 2023. Collection method: clinical testing. Allele origin: germline.

NM_145725.3(TRAF3):c.185G>A (p.Ser62Asn)

Gene: TRAF3 (TNF receptor associated factor 3; plus strand). Cytogenetic location: 14q32.32.
Variant type: single nucleotide variant.
Coding change: c.185G>A on transcript NM_145725.3 (MANE Select); coding-DNA position 185, G replaced by A.
Protein change: p.Ser62Asn; replaces serine 62 with asparagine.
Molecular consequence: missense variant.
Genome position (GRCh38, 1-based): chr14:102,870,386, G>A. VCF-style: chr14-102870386-G-A. GRCh37 (hg19) VCF-style: chr14-103336723-G-A.
Other names: c.185G>A (NM_003300.3); c.185G>A, p.Ser62Asn (NM_001199427.2, NM_001385142.1, NM_001385143.1 and 2 more transcripts); short protein forms S62N.
Identifiers: ClinVar variation 1393059 (VCV001393059.10), dbSNP rs183443558, ClinGen allele CA7359165.